The following is an entry in ClinVar:

NM_004320.6(ATP2A1):c.463+10A>G

Gene: ATP2A1 (ATPase sarcoplasmic/endoplasmic reticulum Ca2+ transporting 1; plus strand). Cytogenetic location: 16p11.2.
Variant type: single nucleotide variant.
Coding change: c.463+10A>G on transcript NM_004320.6 (MANE Select); 10 bases into the intron after coding-DNA position 463, A replaced by G.
Molecular consequence: intron variant.
Genome position (GRCh38, 1-based): chr16:28,882,599, A>G. VCF-style: chr16-28882599-A-G. GRCh37 (hg19) VCF-style: chr16-28893920-A-G.
Other names: c.463+10A>G (NM_173201.5, NM_173201.3); c.88+10A>G (NM_001286075.2).
Identifiers: ClinVar variation 1088579 (VCV001088579.10), dbSNP rs920913786, ClinGen allele CA279227878.

ClinVar aggregate classification (germline): Likely benign. Review status: criteria provided, single submitter (1 of 4 stars). 2 submissions from 2 submitters: Likely benign (1). 1 of the submissions does not count toward it. Last evaluated 2025-09-29.

Conditions:
Brody myopathy. Also called: BRODY DISEASE. Identifiers: Orphanet 53347, MedGen C1832918, MONDO:0010977, OMIM 601003.
ATP2A1-related disorder. Also called: ATP2A1-related condition.

Allele frequency attached by ClinVar (database versions not stated): gnomAD 0.00001; TOPMed 0.00001.
gnomAD v4.1: 1 of 1,613,784 alleles (0.000062%); highest among the groups gnomAD compares: African/African-American, 0.0013%; no homozygotes.

Submissions (2):

Labcorp Genetics (formerly Invitae), Labcorp
Classification: Likely benign for Brody myopathy. Last evaluated: 2025-09-29. Review status: criteria provided, single submitter. Criteria: Invitae Variant Classification Sherloc (09022015). Collection method: clinical testing. Allele origin: germline.

PreventionGenetics, part of Exact Sciences
Classification: Likely benign for ATP2A1-related condition. Last evaluated: 2024-04-25. Review status: no assertion criteria provided. Collection method: clinical testing. Allele origin: germline. Not counted in ClinVar's aggregate classification.
Comment: This variant is classified as likely benign based on ACMG/AMP sequence variant interpretation guidelines (Richards et al. 2015 PMID: 25741868, with internal and published modifications).